The following is an entry in ClinVar:

ClinVar aggregate classification (germline): Uncertain significance. Review status: criteria provided, multiple submitters, no conflicts (2 of 4 stars). 2 submissions from 2 submitters: Uncertain significance (2). Last evaluated 2026-01-21.

Conditions:
Inborn genetic diseases. Identifiers: MedGen C0950123, MeSH D030342.

Allele frequency attached by ClinVar (database versions not stated): gnomAD 0.00003; ExAC 0.00001; TOPMed 0.00001; gnomAD exomes 0.00002.

Submissions (2):

Labcorp Genetics (formerly Invitae), Labcorp
Classification: Uncertain significance. Last evaluated: 2026-01-21. Review status: criteria provided, single submitter. Criteria: Invitae Variant Classification Sherloc (09022015). Collection method: clinical testing. Allele origin: germline.
Comment: This sequence change replaces threonine, which is neutral and polar, with alanine, which is neutral and non-polar, at codon 3 of the RAB11B protein (p.Thr3Ala). This variant is present in population databases (rs768804811, gnomAD 0.005%). This variant has not been reported in the literature in individuals affected with RAB11B-related conditions. ClinVar contains an entry for this variant (Variation ID: 2957856). An algorithm developed to predict the effect of missense changes on protein structure and function (PolyPhen-2) suggests that this variant is likely to be tolerated. In summary, the available evidence is currently insufficient to determine the role of this variant in disease. Therefore, it has been classified as a Variant of Uncertain Significance.

Ambry Genetics
Classification: Uncertain significance for Inborn genetic diseases. Last evaluated: 2025-05-16. Review status: criteria provided, single submitter. Criteria: Ambry Variant Classification Scheme 2023. Collection method: clinical testing. Allele origin: germline.

NM_004218.4(RAB11B):c.7A>G (p.Thr3Ala)

Genes: RAB11B (RAB11B, member RAS oncogene family; plus strand), RAB11B-AS1 (RAB11B antisense RNA 1; minus strand). Cytogenetic location: 19p13.2.
Variant type: single nucleotide variant.
Coding change: c.7A>G on transcript NM_004218.4 (MANE Select); coding-DNA position 7, A replaced by G.
Protein change: p.Thr3Ala; replaces threonine 3 with alanine.
Molecular consequence: missense variant. On other transcripts: non-coding transcript variant (1).
Genome position (GRCh38, 1-based): chr19:8,390,423, A>G. VCF-style: chr19-8390423-A-G. GRCh37 (hg19) VCF-style: chr19-8455307-A-G.
Other names: c.7A>G (NM_004218.3); short protein forms T3A.
Identifiers: ClinVar variation 2957856 (VCV002957856.4), dbSNP rs768804811, ClinGen allele CA9156252.
Genomic context (GRCh38, chr19:8,390,423, plus strand): 5'-GGGTGTTTGTGGTGGGGCTGCGGAGTCGCCGATCCCGCCGGAAGCGCCAGGACAATGGGG[A>G]CCCGGGACGACGAGTACGACTACCTATTCAAAGGTGCGGCCGGTGGGGCACAGACGGGCG-3'
Protein context (NP_004209.2, residues 1-13): MG[Thr3Ala]RDDEYDYLFK